The following is an entry in ClinVar:

NM_000135.4(FANCA):c.893+1G>T

Gene: FANCA (FA complementation group A; minus strand). Cytogenetic location: 16q24.3.
Variant type: single nucleotide variant.
Coding change: c.893+1G>T on transcript NM_000135.4 (MANE Select); the canonical splice donor site of the intron after coding-DNA position 893, G replaced by T.
Molecular consequence: splice donor variant.
Genome position (GRCh38, 1-based): chr16:89,799,165, C>A on the plus strand (G>T on the coding strand, the complement: FANCA is on the minus strand). VCF-style: chr16-89799165-C-A. GRCh37 (hg19) VCF-style: chr16-89865573-C-A.
Other names: c.893+1G>T (NM_000135.3, NM_001286167.3, NM_001018112.3); c.797+1G>T (NM_001351830.2).
Identifiers: ClinVar variation 974203 (VCV000974203.6), dbSNP rs2040352832, ClinGen allele CA397472727.

ClinVar aggregate classification (germline): Pathogenic. Review status: criteria provided, multiple submitters, no conflicts (2 of 4 stars). 4 submissions from 4 submitters: Pathogenic (3). 1 of the submissions does not count toward it. Last evaluated 2026-08-06.

Conditions:
Fanconi anemia (FA). Also called: Fanconi's anemia. Identifiers: Orphanet 84, MedGen C0015625, MeSH D005199, MONDO:0019391.
Fanconi anemia complementation group A (FANCA). Also called: FANCA-Related Fanconi Anemia; Fanconi anemia, group A. Identifiers: Orphanet 84, MedGen C3469521, MONDO:0009215, OMIM 227650.

Allele frequency attached by ClinVar (database versions not stated): TOPMed below 0.00001.
gnomAD v4.1: 3 of 1,614,208 alleles (0.00019%); highest among the groups gnomAD compares: Non-Finnish European, 0.00025%; no homozygotes.

Submissions (4):

OLLIN Analises Genomicas, OLLIN
Classification: Pathogenic for Fanconi anemia complementation group A. Last evaluated: 2026-08-06. Review status: criteria provided, single submitter. Criteria: ACMG Guidelines 2015 PMID 25741868. Collection method: clinical testing. Allele origin: germline. Inheritance: Autosomal recessive inheritance.
Comment: This variant, located at the canonical splicing site (splice donor), has been reported in ClinVar (accession VCV000974203.5) and in gnomAD with an allele frequency of 0.00019%. However, to our knowledge, it has not been reported in the scientific literature. This variant is predicted to disrupt a canonical splice site, potentially leading to exon skipping, mRNA degradation via nonsense-mediated decay (NMD), or production of a truncated protein. Another pathogenic variant has been reported to result in the same amino acid substitution. According to the currently available evidence, this variant has been classified as pathogenic (PVS1, PS1_P, PM2_P, PM3).

Labcorp Genetics (formerly Invitae), Labcorp
Classification: Pathogenic for Fanconi anemia. Last evaluated: 2026-01-19. Review status: criteria provided, single submitter. Criteria: Invitae Variant Classification Sherloc (09022015). Collection method: clinical testing. Allele origin: germline.
Comment: This sequence change affects a donor splice site in intron 10 of the FANCA gene. It is expected to disrupt RNA splicing. Variants that disrupt the donor or acceptor splice site typically lead to a loss of protein function (PMID: 16199547), and loss-of-function variants in FANCA are known to be pathogenic (PMID: 19367192). This variant is not present in population databases (gnomAD no frequency). Disruption of this splice site has been observed in individual(s) with Fanconi anemia (PMID: 12955722, 24584348, 31586946). In at least one individual the data is consistent with being in trans (on the opposite chromosome) from a pathogenic variant. ClinVar contains an entry for this variant (Variation ID: 974203). Algorithms developed to predict the effect of sequence changes on RNA splicing suggest that this variant may disrupt the consensus splice site. For these reasons, this variant has been classified as Pathogenic.

Natera, Inc.
Classification: Pathogenic for Fanconi anemia. Last evaluated: 2024-09-04. Review status: criteria provided, single submitter. Criteria: Natera Variant Classification Schema (03/2026). Collection method: clinical testing. Allele origin: germline.
Comment: The c.893+1G>T variant in FANCA is a canonical splice donor site variant predicted to affect pre-mRNA splicing, which may result in an abnormal transcript and altered protein product. This variant is expected to result in nonsense mediated decay, truncation, or a dysfunctional protein product. This variant is rare in the general population with a frequency below the threshold expected for the associated phenotype(s). This variant has been observed in one or more individuals affected with the associated recessive disease, as either homozygous or compound heterozygous with a second variant (PMID: 31586946, 21273304). Functional studies show that this variant may disrupt protein function (PMID: 12955722). Given the available evidence, this variant is classified as Pathogenic.

Leiden Open Variation Database
Classification: Pathogenic for Fanconi anemia complementation group A. Last evaluated: 2020-02-28. Review status: no assertion criteria provided. Collection method: curation. Allele origin: germline. Affected: yes. Not counted in ClinVar's aggregate classification.
Comment: Curator: Arleen D. Auerbach. Submitter to LOVD: Arleen D. Auerbach.

Literature cited by the submitters: PubMed 16199547 (cited by Labcorp Genetics (formerly Invitae), Labcorp); PubMed 19367192 (cited by Labcorp Genetics (formerly Invitae), Labcorp); PubMed 12955722 (cited by 3 submitters); PubMed 24584348 (cited by Labcorp Genetics (formerly Invitae), Labcorp); PubMed 31586946 (cited by Labcorp Genetics (formerly Invitae), Labcorp and Natera, Inc.); PubMed 21273304 (cited by Natera, Inc.); PubMed 09399890 (cited by Leiden Open Variation Database).